The following is an entry in ClinVar:

ClinVar aggregate classification (germline): Uncertain significance (1 of 4 stars; one submission).

Conditions:
Left ventricular noncompaction 8 (LVNC8). Identifiers: Orphanet 154, Orphanet 54260, MedGen C3809288, MONDO:0014152, OMIM 615373.

Submission:

Labcorp Genetics (formerly Invitae), Labcorp
Classification: Uncertain significance for Left ventricular noncompaction 8. Last evaluated: 2024-08-21. Review status: criteria provided, single submitter. Criteria: Invitae Variant Classification Sherloc (09022015). Collection method: clinical testing. Allele origin: germline.
Comment: This variant, c.3627_3629del, is a complex sequence change that results in the deletion of 2 and insertion of 1 amino acid(s) in the PRDM16 protein (p.Lys1209_Asp1210delinsAsn). This variant is present in population databases (no rsID available, gnomAD 0.006%). This variant has not been reported in the literature in individuals affected with PRDM16-related conditions. ClinVar contains an entry for this variant (Variation ID: 581420). Experimental studies and prediction algorithms are not available or were not evaluated, and the functional significance of this variant is currently unknown. In summary, the available evidence is currently insufficient to determine the role of this variant in disease. Therefore, it has been classified as a Variant of Uncertain Significance.

NM_022114.4(PRDM16):c.3627_3629del (p.Lys1209_Asp1210delinsAsn)

Gene: PRDM16 (PR/SET domain 16; plus strand). Cytogenetic location: 1p36.32.
Variant type: Deletion.
Coding change: c.3627_3629del on transcript NM_022114.4 (MANE Select); coding-DNA positions 3627 to 3629, 3 bases deleted (AGA; older notation c.3627_3629delAGA).
Protein change: p.Lys1209_Asp1210delinsAsn.
Molecular consequence: inframe indel.
Genome position (GRCh38, 1-based): chr1:3,432,071-3,432,073, AGA deleted; deleting any 3 consecutive bases within chr1:3,432,070-3,432,073 gives the same sequence; the c. name uses the placement nearest the transcript's 3' end. VCF-style (leftmost placement, unchanged base first): chr1-3432069-AAAG-A. GRCh37 (hg19) VCF-style: chr1-3348633-AAAG-A.
Other names: c.3627_3629del, p.Lys1209_Asp1210delinsAsn (NM_199454.3).
Identifiers: ClinVar variation 581420 (VCV000581420.8), dbSNP rs1290106818, ClinGen allele CA521015633.
Genomic context (GRCh38, chr1:3,432,069, plus strand): 5'-ATGCCGACTTTTGGGAAGGGGCTGGACCTCCGCAGAGCAGCTGAGGAAGCATTTGAAGTT[AAAG>A]ATGTGCTTAATTCCACCTTAGATTCTGAGGCTTTAAAACATACACTGTGCAGGCAGGCTA-3'